The following is an entry in ClinVar:

NM_022168.4(IFIH1):c.2464C>T (p.Arg822Ter)

Gene: IFIH1 (interferon induced with helicase C domain 1; minus strand). Cytogenetic location: 2q24.2.
Variant type: single nucleotide variant.
Coding change: c.2464C>T on transcript NM_022168.4 (MANE Select); coding-DNA position 2464, C replaced by T.
Protein change: p.Arg822Ter; replaces arginine 822 with a stop codon.
Molecular consequence: nonsense.
Genome position (GRCh38, 1-based): chr2:162,272,378, G>A on the plus strand (C>T on the coding strand, the complement: IFIH1 is on the minus strand). VCF-style: chr2-162272378-G-A. GRCh37 (hg19) VCF-style: chr2-163128888-G-A.
Other names: short protein forms R822*.
Identifiers: ClinVar variation 945117 (VCV000945117.9), dbSNP rs747926684, ClinGen allele CA1934164.

ClinVar aggregate classification (germline): Conflicting classifications of pathogenicity. Review status: criteria provided, conflicting classifications (1 of 4 stars). 4 submissions from 4 submitters: Uncertain significance (2); Benign (1). 1 of the submissions does not count toward it. Last evaluated 2026-01-26.

Conditions:
Aicardi-Goutieres syndrome 7 (AGS7). Identifiers: Orphanet 51, MedGen C3888244, MONDO:0014367, OMIM 615846.
Singleton-Merten syndrome 1 (SGMRT1). Also called: Widened medullary cavities of bone, aortic calcification, abnormal dentition, and muscular weakness; Syndrome of widened medullary cavities of the metacarpals and phalanges, aortic calcification and abnormal dentition. Identifiers: Orphanet 85191, MedGen C4225427, MONDO:0024535, OMIM 182250.

Allele frequency attached by ClinVar (database versions not stated): ExAC 0.00004; gnomAD exomes 0.00005; TOPMed 0.00006.
gnomAD v4.1: 73 of 1,611,528 alleles (0.0045%); highest among the groups gnomAD compares: East Asian, 0.0067%; 1 homozygote.

Submissions (4):

Labcorp Genetics (formerly Invitae), Labcorp
Classification: Benign for Aicardi-Goutieres syndrome 7; Singleton-Merten syndrome 1. Last evaluated: 2026-01-26. Review status: criteria provided, single submitter. Criteria: Invitae Variant Classification Sherloc (09022015). Collection method: clinical testing. Allele origin: germline.

Blueprint Genetics
Classification: Uncertain significance. Last evaluated: 2024-10-25. Review status: criteria provided, single submitter. Criteria: ACMG Guidelines, 2015. Collection method: clinical testing. Allele origin: germline.

Women's Health and Genetics/Laboratory Corporation of America, LabCorp
Classification: Uncertain significance. Last evaluated: 2024-10-21. Review status: criteria provided, single submitter. Criteria: LabCorp Variant Classification Summary - May 2015. Collection method: clinical testing. Allele origin: germline.
Comment: Variant summary: IFIH1 c.2464C>T (p.Arg822X) results in a premature termination codon, predicted to cause a truncation of the encoded protein or absence of the protein due to nonsense mediated decay, however current evidence is not sufficient to establish loss of function as a mechanism for disease. The variant allele was found at a frequency of 5.2e-05 in 248978 control chromosomes. This frequency is not significantly higher than estimated for a pathogenic variant in IFIH1 causing Immunodeficiency 95, allowing no conclusion about variant significance. To our knowledge, no occurrence of c.2464C>T in individuals affected with Immunodeficiency 95 and no experimental evidence demonstrating its impact on protein function have been reported. ClinVar contains an entry for this variant (Variation ID: 945117). Based on the evidence outlined above, the variant was classified as uncertain significance.

Zotz-Klimas Genetics Lab, MVZ Zotz Klimas
Classification: Uncertain significance for Aicardi-Goutieres syndrome 7. Last evaluated: 2023-10-30. Review status: no assertion criteria provided. Collection method: clinical testing. Allele origin: germline. Affected: yes. Not counted in ClinVar's aggregate classification.